The following is an entry in ClinVar:

NM_078629.4(MSL3):c.358G>A (p.Glu120Lys)

Gene: MSL3 (MSL complex subunit 3; plus strand). Cytogenetic location: Xp22.2.
Variant type: single nucleotide variant.
Coding change: c.358G>A on transcript NM_078629.4 (MANE Select); coding-DNA position 358, G replaced by A.
Protein change: p.Glu120Lys; replaces glutamic acid 120 with lysine.
Molecular consequence: missense variant. On other transcripts: 5 prime UTR variant (2).
Genome position (GRCh38, 1-based): chrX:11,760,913, G>A. VCF-style: chrX-11760913-G-A. GRCh37 (hg19) VCF-style: chrX-11779032-G-A.
Other names: c.322G>A, p.Glu108Lys (NM_001193270.2); c.-7G>A (NM_001282174.1); c.-141G>A (NM_006800.4); c.358G>A, p.Glu120Lys (NM_078628.2); short protein forms E108K, E120K.
Identifiers: ClinVar variation 3037087 (VCV003037087.3), dbSNP rs762777627, ClinGen allele CA10348772.
Genomic context (GRCh38, chrX:11,760,913, plus strand): 5'-AAGAAGAAGCGCTGCAGGTTGCCTGGTGTGGACTCTGTCTTAAAAGGCCTCCCCACTGAA[G>A]AAAAAGATGAAAATGATGAAAACTGTGAGTAGCTTCACTTCATTTCTTTTGGCTGAAAGA-3'
Protein context (NP_523353.2, residues 110-130): DSVLKGLPTE[Glu120Lys]KDENDENSLS

ClinVar aggregate classification (germline): Likely benign. Review status: criteria provided, single submitter (1 of 4 stars). 2 submissions from 2 submitters: Likely benign (1). 1 of the submissions does not count toward it. Last evaluated 2024-05-02.

Conditions:
MSL3-related disorder. Also called: MSL3-related condition.
Inborn genetic diseases. Identifiers: MedGen C0950123, MeSH D030342.

Allele frequency attached by ClinVar (database versions not stated): gnomAD exomes 0.00003; TOPMed 0.00003; ExAC 0.00004.
gnomAD v4.1: 29 of 1,192,282 alleles (0.0024%); highest among the groups gnomAD compares: Admixed American, 0.063%; no homozygotes.

Submissions (2):

Ambry Genetics
Classification: Likely benign for Inborn genetic diseases. Last evaluated: 2024-05-02. Review status: criteria provided, single submitter. Criteria: Ambry Variant Classification Scheme 2023. Collection method: clinical testing. Allele origin: germline.

PreventionGenetics, part of Exact Sciences
Classification: Likely benign for MSL3-related condition. Last evaluated: 2022-11-17. Review status: no assertion criteria provided. Collection method: clinical testing. Allele origin: germline. Not counted in ClinVar's aggregate classification.
Comment: This variant is classified as likely benign based on ACMG/AMP sequence variant interpretation guidelines (Richards et al. 2015 PMID: 25741868, with internal and published modifications).